The following is an entry in ClinVar:

NM_020533.3(MCOLN1):c.676C>T (p.His226Tyr)

Gene: MCOLN1 (mucolipin TRP cation channel 1; plus strand). Cytogenetic location: 19p13.2.
Variant type: single nucleotide variant.
Coding change: c.676C>T on transcript NM_020533.3 (MANE Select); coding-DNA position 676, C replaced by T.
Protein change: p.His226Tyr; replaces histidine 226 with tyrosine.
Molecular consequence: missense variant.
Genome position (GRCh38, 1-based): chr19:7,527,624, C>T. VCF-style: chr19-7527624-C-T. GRCh37 (hg19) VCF-style: chr19-7592510-C-T.
Other names: short protein forms H226Y.
Identifiers: ClinVar variation 4701306 (VCV004701306.1).
Genomic context (GRCh38, chr19:7,527,624, plus strand): 5'-AGCGACGATCTCACCCTCTTGGAAAGCAGCTCCAGTTACAAGAACCTCACGCTCAAATTC[C>T]ACAAGTACTGCCTGCTCACTCGAGGGGGGCCCAGGGTGGGGGAGGCAGCACACTAGGCAC-3'
Protein context (NP_065394.1, residues 216-236): SSYKNLTLKF[His226Tyr]KLVNVTIHFR

ClinVar aggregate classification (germline): Uncertain significance (1 of 4 stars; one submission).

Conditions:
Mucolipidosis type IV (ML4). Also called: ML IV. Identifiers: Orphanet 578, MedGen C0238286, MONDO:0009653, OMIM 252650.

Submission:

Labcorp Genetics (formerly Invitae), Labcorp
Classification: Uncertain significance for Mucolipidosis type IV. Last evaluated: 2025-03-26. Review status: criteria provided, single submitter. Criteria: Invitae Variant Classification Sherloc (09022015). Collection method: clinical testing. Allele origin: germline.
Comment: This sequence change replaces histidine, which is basic and polar, with tyrosine, which is neutral and polar, at codon 226 of the MCOLN1 protein (p.His226Tyr). This variant is not present in population databases (gnomAD no frequency). This variant has not been reported in the literature in individuals affected with MCOLN1-related conditions. Invitae Evidence Modeling of protein sequence and biophysical properties (such as structural, functional, and spatial information, amino acid conservation, physicochemical variation, residue mobility, and thermodynamic stability) indicates that this missense variant is not expected to disrupt MCOLN1 protein function with a negative predictive value of 95%. In summary, the available evidence is currently insufficient to determine the role of this variant in disease. Therefore, it has been classified as a Variant of Uncertain Significance.